The following is an entry in ClinVar:

NM_007194.4(CHEK2):c.605_606del (p.Phe201_Phe202insTer)

Gene: CHEK2 (checkpoint kinase 2; minus strand). Cytogenetic location: 22q12.1.
Variant type: Deletion.
Coding change: c.605_606del on transcript NM_007194.4 (MANE Select); coding-DNA positions 605 to 606, 2 bases deleted (TT; older notation c.605_606delTT).
Protein change: p.Phe201_Phe202insTer.
Molecular consequence: nonsense. On other transcripts: 5 prime UTR variant (2), intron variant (1).
Genome position (GRCh38, 1-based): chr22:28,719,472-28,719,473, AA deleted on the plus strand (TT on the coding strand, the reverse complement: CHEK2 is on the minus strand); deleting any 2 consecutive bases within chr22:28,719,472-28,719,477 gives the same sequence; the c. name uses the placement nearest the transcript's 3' end. VCF-style (leftmost placement, unchanged base first): chr22-28719471-CAA-C. GRCh37 (hg19) VCF-style: chr22-29115459-CAA-C.
Other names: c.734_735del, p.Phe244_Phe245insTer (NM_001005735.3, NM_001438294.1); c.-59_-58del (NM_001257387.3, NM_001437942.1); c.698_699del, p.Phe232_Phe233insTer (NM_001438293.1, NM_001438295.1); c.605_606del, p.Phe201_Phe202insTer (NM_145862.3); c.482+5413_482+5414del (NM_001349956.3).
Identifiers: ClinVar variation 665009 (VCV000665009.12), dbSNP rs886039609, ClinGen allele CA915952865.

ClinVar aggregate classification (germline): Pathogenic. Review status: criteria provided, multiple submitters, no conflicts (2 of 4 stars). 3 submissions from 3 submitters: Pathogenic (3). Last evaluated 2025-11-10.

Conditions:
Familial cancer of breast. Also called: BREAST CANCER, FAMILIAL; hereditary breast carcinoma; Hereditary breast cancer. Identifiers: Orphanet 227535, MedGen C0346153, MONDO:0016419, OMIM 114480. Disease mechanism: loss of function.
Hereditary cancer-predisposing syndrome. Also called: Tumor predisposition; Hereditary neoplastic syndrome; Neoplastic Syndromes, Hereditary; Hereditary Cancer Syndrome. Identifiers: Orphanet 140162, MedGen C0027672, MeSH D009386, MONDO:0015356.

Submissions (3):

Labcorp Genetics (formerly Invitae), Labcorp
Classification: Pathogenic for Familial cancer of breast. Last evaluated: 2025-11-10. Review status: criteria provided, single submitter. Criteria: Invitae Variant Classification Sherloc (09022015). Collection method: clinical testing. Allele origin: germline.
Comment: This sequence change creates a premature translational stop signal (p.Phe202*) in the CHEK2 gene. It is expected to result in an absent or disrupted protein product. Loss-of-function variants in CHEK2 are known to be pathogenic (PMID: 21876083, 24713400). This variant is not present in population databases (gnomAD no frequency). This variant has not been reported in the literature in individuals affected with CHEK2-related conditions. ClinVar contains an entry for this variant (Variation ID: 665009). For these reasons, this variant has been classified as Pathogenic.

Ambry Genetics
Classification: Pathogenic for Hereditary cancer-predisposing syndrome. Last evaluated: 2025-04-09. Review status: criteria provided, single submitter. Criteria: Ambry Variant Classification Scheme 2023. Collection method: clinical testing. Allele origin: germline.
Comment: The c.605_606delTT pathogenic mutation, located in coding exon 4 of the CHEK2 gene, results from a deletion of two nucleotides at nucleotide positions 605 to 606, causing a translational frameshift with a predicted alternate stop codon (p.F202*). This alteration is expected to result in loss of function by premature protein truncation or nonsense-mediated mRNA decay. As such, this alteration is interpreted as a disease-causing mutation.

Myriad Genetics, Inc.
Classification: Pathogenic for Familial cancer of breast. Last evaluated: 2023-06-26. Review status: criteria provided, single submitter. Criteria: Myriad Autosomal Dominant, Autosomal Recessive and X-Linked Classification Criteria (2023). Collection method: clinical testing. Allele origin: unknown.
Comment: This variant is considered pathogenic. This variant creates a termination codon and is predicted to result in premature protein truncation.

Literature cited by the submitters: PubMed 21876083 (cited by Labcorp Genetics (formerly Invitae), Labcorp); PubMed 24713400 (cited by Labcorp Genetics (formerly Invitae), Labcorp).